The following is an entry in ClinVar:

NM_001040436.3(YARS2):c.113dup (p.Leu38fs)

Gene: YARS2 (tyrosyl-tRNA synthetase 2; minus strand). Cytogenetic location: 12p11.21.
Variant type: Duplication.
Coding change: c.113dup on transcript NM_001040436.3 (MANE Select); coding-DNA position 113, one base duplicated (T; older notation c.113dupT).
Protein change: p.Leu38fs; shifts the reading frame from leucine 38.
Molecular consequence: frameshift variant.
Genome position (GRCh38, 1-based): chr12:32,755,762, A duplicated on the plus strand (T on the coding strand, the reverse complement: YARS2 is on the minus strand); the first of 2 consecutive A bases (chr12:32,755,762-32,755,763); duplicating either gives the same sequence. VCF-style (leftmost placement, unchanged base first): chr12-32755761-T-TA. GRCh37 (hg19) VCF-style: chr12-32908695-T-TA.
Other names: short protein forms L38fs.
Identifiers: ClinVar variation 3001537 (VCV003001537.3), dbSNP rs1955836490, ClinGen allele CA2026286821.

ClinVar aggregate classification (germline): Pathogenic (1 of 4 stars; one submission).

Submission:

Labcorp Genetics (formerly Invitae), Labcorp
Classification: Pathogenic. Last evaluated: 2023-07-13. Review status: criteria provided, single submitter. Criteria: Invitae Variant Classification Sherloc (09022015). Collection method: clinical testing. Allele origin: germline.
Comment: For these reasons, this variant has been classified as Pathogenic. This variant has not been reported in the literature in individuals affected with YARS2-related conditions. This variant is not present in population databases (gnomAD no frequency). This sequence change creates a premature translational stop signal (p.Leu38Phefs*112) in the YARS2 gene. It is expected to result in an absent or disrupted protein product. Loss-of-function variants in YARS2 are known to be pathogenic (PMID: 20598274, 24344687, 25638461).

Literature cited by the submitters: PubMed 20598274; PubMed 24344687; PubMed 25638461.